The following is an entry in ClinVar:

ClinVar aggregate classification (germline): Benign. Review status: criteria provided, multiple submitters, no conflicts (2 of 4 stars). 2 submissions from 2 submitters: Benign (2). Last evaluated 2018-01-12.

Conditions:
Generalized pustular psoriasis. Identifiers: Orphanet 247353, MedGen C0343055, MONDO:0100491.

Allele frequency attached by ClinVar (database versions not stated): TOPMed 0.04276; 1000 Genomes Project 30x 0.04544; 1000 Genomes Project 0.04613; gnomAD 0.04709 and 0.05061.

Submissions (2):

Illumina Laboratory Services, Illumina
Classification: Benign for Acrodermatitis continua suppurativa of Hallopeau. Last evaluated: 2018-01-12. Review status: criteria provided, single submitter. Criteria: ICSL Variant Classification Criteria 13 December 2019. Collection method: clinical testing. Allele origin: germline.
Comment: This variant was observed in the ICSL laboratory as part of a predisposition screen in an ostensibly healthy population. It had not been previously curated by ICSL or reported in the Human Gene Mutation Database (HGMD: prior to June 1st, 2018), and was therefore a candidate for classification through an automated scoring system. Utilizing variant allele frequency, disease prevalence and penetrance estimates, and inheritance mode, an automated score was calculated to assess if this variant is too frequent to cause the disease. Based on the score and internal cut-off values, a variant classified as benign is not then subjected to further curation. The score for this variant resulted in a classification of benign for this disease.

Breakthrough Genomics
Classification: Benign. Review status: criteria provided, single submitter. Criteria: ACMG Guidelines, 2015. Collection method: not provided. Allele origin: germline. Inheritance: Autosomal recessive inheritance. Affected: yes.

NM_012275.3(IL36RN):c.*828G>A

Gene: IL36RN (interleukin 36 receptor antagonist; plus strand). Cytogenetic location: 2q14.1.
Variant type: single nucleotide variant.
Coding change: c.*828G>A on transcript NM_012275.3 (MANE Select); 828 bases downstream of the stop codon, G replaced by A.
Molecular consequence: 3 prime UTR variant.
Genome position (GRCh38, 1-based): chr2:113,063,505, G>A. VCF-style: chr2-113063505-G-A. GRCh37 (hg19) VCF-style: chr2-113821082-G-A.
Other names: c.*828G>A (NM_173170.1).
Identifiers: ClinVar variation 330794 (VCV000330794.6), dbSNP rs114189538, ClinGen allele CA10611933.